The following is an entry in ClinVar:

ClinVar aggregate classification (germline): Uncertain significance (1 of 4 stars; one submission).

Conditions:
Inborn genetic diseases. Identifiers: MedGen C0950123, MeSH D030342.

Submission:

Ambry Genetics
Classification: Uncertain significance for Inborn genetic diseases. Last evaluated: 2024-07-31. Review status: criteria provided, single submitter. Criteria: Ambry Variant Classification Scheme 2023. Collection method: clinical testing. Allele origin: germline.
Comment: The c.1971+2T>C intronic variant results from a T to C substitution two nucleotide after coding exon 19 of the TLK2 gene. Alterations that disrupt the canonical splice site are expected to cause aberrant splicing, resulting in an abnormal protein or a transcript that is subject to nonsense-mediated mRNA decay; however, +2T>C alterations are capable of generating wild-type transcripts in some genomic contexts and should be interpreted with caution (Lin, 2019). This variant was not reported in population-based cohorts in the Genome Aggregation Database (gnomAD). This nucleotide position is highly conserved in available vertebrate species. In silico splice site analysis predicts that this alteration will weaken the native splice donor site and will result in the creation or strengthening of a novel splice donor site. Based on insufficient or conflicting evidence, the clinical significance of this alteration remains unclear.

Literature cited by the submitters: PubMed 31131953.

NM_006852.6(TLK2):c.1971+2T>C

Gene: TLK2 (tousled like kinase 2; plus strand). Cytogenetic location: 17q23.2.
Variant type: single nucleotide variant.
Coding change: c.1971+2T>C on transcript NM_006852.6 (MANE Select); the canonical splice donor site of the intron after coding-DNA position 1971, T replaced by C.
Molecular consequence: splice donor variant.
Genome position (GRCh38, 1-based): chr17:62,606,243, T>C. VCF-style: chr17-62606243-T-C. GRCh37 (hg19) VCF-style: chr17-60683604-T-C.
Other names: c.1971+2T>C (NM_001375271.1, NM_001375270.1); c.1524+2T>C (NM_001375273.1, NM_001330418.3); c.1875+2T>C (NM_001375272.1, NM_001284363.1); c.1686+2T>C (NM_001411074.1); c.2037+2T>C (NM_001284333.3); c.2013+2T>C (NM_001375269.1).
Identifiers: ClinVar variation 3456891 (VCV003456891.1).
Genomic context (GRCh38, chr17:62,606,243, plus strand): 5'-ATAAAGTTGATGTGTGGTCGGTGGGTGTGATCTTCTATCAGTGTCTTTATGGAAGGAAGG[T>C]AAGTTAGAAGGTTGATGGAGAAGCTTGATCTCTTTCTTGGGTGGCACACACACACACAGT-3'